The following is an entry in ClinVar:

NC_000006.11:g.(?_88272410)_(88299760_?)del

Gene: RARS2 (arginyl-tRNA synthetase 2, mitochondrial; minus strand). Cytogenetic location: 6q15.
Variant type: Deletion.
Identifiers: ClinVar variation 3246227 (VCV003246227.1).

ClinVar aggregate classification (germline): Pathogenic (1 of 4 stars; one submission).

Submission:

Labcorp Genetics (formerly Invitae), Labcorp
Classification: Pathogenic. Last evaluated: 2022-07-09. Review status: criteria provided, single submitter. Criteria: Invitae Variant Classification Sherloc (09022015). Collection method: clinical testing. Allele origin: unknown.
Comment: For these reasons, this variant has been classified as Pathogenic. This variant has not been reported in the literature in individuals affected with RARS2-related conditions. This variant is a gross deletion of the genomic region encompassing exon(s) 1-4 of the RARS2 gene, which includes the initiator codon. This deletion extends beyond the assayed region for this gene and therefore may encompass additional genes. It is expected to result in an absent or disrupted protein product. Loss-of-function variants in RARS2 are known to be pathogenic (PMID: 17847012, 22569581, 26083569).

Literature cited by the submitters: PubMed 17847012; PubMed 22569581; PubMed 26083569.